The following is an entry in ClinVar:

ClinVar aggregate classification (germline): Pathogenic (1 of 4 stars; one submission).

Conditions:
Lamellar ichthyosis. Identifiers: Orphanet 313, MedGen C5848247, MONDO:0017778.

Submission:

Women's Health and Genetics/Laboratory Corporation of America, LabCorp
Classification: Pathogenic for Lamellar ichthyosis. Last evaluated: 2025-05-12. Review status: criteria provided, single submitter. Criteria: LabCorp Variant Classification Summary - May 2015. Collection method: clinical testing. Allele origin: germline.
Comment: Variant summary: ABCA12 c.2125delA (p.Met709CysfsX7) results in a premature termination codon, predicted to cause a truncation of the encoded protein or absence of the protein due to nonsense mediated decay, which are commonly known mechanisms for disease. The variant was absent in 251248 control chromosomes. To our knowledge, no occurrence of c.2125delA in individuals affected with Lamellar Ichthyosis and no experimental evidence demonstrating its impact on protein function have been reported. No submitters have cited clinical-significance assessments for this variant to ClinVar. Based on the evidence outlined above, the variant was classified as pathogenic.

NM_173076.3(ABCA12):c.2125del (p.Met709fs)

Gene: ABCA12 (ATP binding cassette subfamily A member 12; minus strand). Cytogenetic location: 2q35.
Variant type: Deletion.
Coding change: c.2125del on transcript NM_173076.3 (MANE Select); coding-DNA position 2125, one base deleted (A; older notation c.2125delA).
Protein change: p.Met709fs; shifts the reading frame from methionine 709.
Molecular consequence: frameshift variant. On other transcripts: non-coding transcript variant (1).
Genome position (GRCh38, 1-based): chr2:215,011,646, T deleted on the plus strand (A on the coding strand, the reverse complement: ABCA12 is on the minus strand); the first of 2 consecutive T bases (chr2:215,011,646-215,011,647); deleting either gives the same sequence. VCF-style (leftmost placement, unchanged base first): chr2-215011645-AT-A. GRCh37 (hg19) VCF-style: chr2-215876369-AT-A.
Other names: c.1171del, p.Met391fs (NM_015657.4); c.2125delA (NM_173076.3); short protein forms M391fs, M709fs.
Identifiers: ClinVar variation 3902323 (VCV003902323.1).